The following is an entry in ClinVar:

ClinVar aggregate classification (germline): Uncertain significance. Review status: criteria provided, single submitter (1 of 4 stars). 2 submissions from 2 submitters: Uncertain significance (1). 1 of the submissions does not count toward it. Last evaluated 2022-10-26.

Conditions:
Hereditary insensitivity to pain with anhidrosis (CIPA). Also called: NTRK1 Congenital Insensitivity to Pain with Anhidrosis; INSENSITIVITY TO PAIN, CONGENITAL, WITH ANHIDROSIS; hereditary sensory and autonomic neuropathy type 4; NEUROPATHY, CONGENITAL SENSORY, WITH ANHIDROSIS; FAMILIAL DYSAUTONOMIA, TYPE II; HSAN Type IV. Identifiers: Orphanet 642, MedGen C0020074, MONDO:0009746, OMIM 256800.

Allele frequency attached by ClinVar (database versions not stated): gnomAD 0.00003; TOPMed 0.00003; ESP Exome Variant Server 0.00015.
gnomAD v4.1: 10 of 1,613,742 alleles (0.00062%); highest among the groups gnomAD compares: Non-Finnish European, 0.00085%; no homozygotes.

Submissions (2):

Labcorp Genetics (formerly Invitae), Labcorp
Classification: Uncertain significance for Hereditary insensitivity to pain with anhidrosis. Last evaluated: 2022-10-26. Review status: criteria provided, single submitter. Criteria: Invitae Variant Classification Sherloc (09022015). Collection method: clinical testing. Allele origin: germline.
Comment: This sequence change replaces glutamic acid, which is acidic and polar, with glutamine, which is neutral and polar, at codon 609 of the NTRK1 protein (p.Glu609Gln). This variant is not present in population databases (gnomAD no frequency). This variant has not been reported in the literature in individuals affected with NTRK1-related conditions. ClinVar contains an entry for this variant (Variation ID: 853389). Advanced modeling of protein sequence and biophysical properties (such as structural, functional, and spatial information, amino acid conservation, physicochemical variation, residue mobility, and thermodynamic stability) performed at Invitae indicates that this missense variant is not expected to disrupt NTRK1 protein function. In summary, the available evidence is currently insufficient to determine the role of this variant in disease. Therefore, it has been classified as a Variant of Uncertain Significance.

Natera, Inc.
Classification: Uncertain significance for Hereditary insensitivity to pain with anhidrosis. Last evaluated: 2021-06-11. Review status: no assertion criteria provided. Collection method: clinical testing. Allele origin: germline. Not counted in ClinVar's aggregate classification.

NM_002529.4(NTRK1):c.1843G>C (p.Glu615Gln)

Gene: NTRK1 (neurotrophic receptor tyrosine kinase 1; plus strand). Cytogenetic location: 1q23.1.
Variant type: single nucleotide variant.
Coding change: c.1843G>C on transcript NM_002529.4 (MANE Select); coding-DNA position 1843, G replaced by C.
Protein change: p.Glu615Gln; replaces glutamic acid 615 with glutamine.
Molecular consequence: missense variant.
Genome position (GRCh38, 1-based): chr1:156,879,159, G>C. VCF-style: chr1-156879159-G-C. GRCh37 (hg19) VCF-style: chr1-156848951-G-C.
Other names: c.1735G>C, p.Glu579Gln (NM_001007792.1); c.1825G>C, p.Glu609Gln (NM_001012331.2); short protein forms E579Q, E609Q, E615Q.
Identifiers: ClinVar variation 853389 (VCV000853389.10), dbSNP rs149663928, ClinGen allele CA31123286.
Genomic context (GRCh38, chr1:156,879,159, plus strand): 5'-CCCTCTCCTTTTCTTGTTCACAGATCCCATGGACCTGATGCCAAGCTGCTGGCTGGTGGG[G>C]AGGATGTGGCTCCAGGCCCCCTGGGTCTGGGGCAGCTGCTGGCCGTGGCTAGCCAGGTCG-3'
Protein context (NP_002520.2, residues 605-625): GPDAKLLAGG[Glu615Gln]DVAPGPLGLG